The following is an entry in ClinVar:

ClinVar aggregate classification (germline): Uncertain significance (1 of 4 stars; one submission).

Conditions:
Inborn genetic diseases. Identifiers: MedGen C0950123, MeSH D030342.

Submission:

Ambry Genetics
Classification: Uncertain significance for Inborn genetic diseases. Last evaluated: 2022-07-26. Review status: criteria provided, single submitter. Criteria: Ambry Variant Classification Scheme 2023. Collection method: clinical testing. Allele origin: germline.
Comment: The p.M545V variant (also known as c.1633A>G), located in coding exon 17 of the ERCC2 gene, results from an A to G substitution at nucleotide position 1633. The methionine at codon 545 is replaced by valine, an amino acid with highly similar properties. This amino acid position is conserved. In addition, this alteration is predicted to be deleterious by in silico analysis. Since supporting evidence is limited at this time, the clinical significance of this alteration remains unclear.

NM_000400.4(ERCC2):c.1633A>G (p.Met545Val)

Gene: ERCC2 (ERCC excision repair 2, TFIIH core complex helicase subunit; minus strand). Cytogenetic location: 19q13.32.
Variant type: single nucleotide variant.
Coding change: c.1633A>G on transcript NM_000400.4 (MANE Select); coding-DNA position 1633, A replaced by G.
Protein change: p.Met545Val; replaces methionine 545 with valine.
Molecular consequence: missense variant.
Genome position (GRCh38, 1-based): chr19:45,354,762, T>C on the plus strand (A>G on the coding strand, the complement: ERCC2 is on the minus strand). VCF-style: chr19-45354762-T-C. GRCh37 (hg19) VCF-style: chr19-45858020-T-C.
Other names: short protein forms M545V.
Identifiers: ClinVar variation 1776871 (VCV001776871.2), dbSNP rs748375308, ClinGen allele CA308954648.
Genomic context (GRCh38, chr19:45,354,762, plus strand): 5'-GGTGCAGGGAGGGGGTGGCCAGGCGTACCTGCTCATACCAGGAGGCCACGGTGCTCTCCA[T>C]GTACTGGTAGCTGGTGAAGAAGGCCACGATGCCATCAGGGACCACAGCGGACATCTCCAG-3'
Protein context (NP_000391.1, residues 535-555): IVAFFTSYQY[Met545Val]ESTVASWYEQ